The following is an entry in ClinVar:

NM_016239.4(MYO15A):c.7745_8224+177delinsCTCCCCGGAACGGCTGCTGGTAC

Genes: MYO15A (myosin XVA; plus strand), LOC130060416 (ATAC-STARR-seq lymphoblastoid silent region 8266; plus strand). Cytogenetic location: 17p11.2.
Variant type: Indel.
Coding change: c.7745_8224+177delinsCTCCCCGGAACGGCTGCTGGTAC on transcript NM_016239.4 (MANE Select); coding-DNA position 7745 through 177 bases into the intron after coding-DNA position 8224, the reference bases replaced by CTCCCCGGAACGGCTGCTGGTAC.
Molecular consequence: splice acceptor variant, splice donor variant.
Genome position (GRCh38, 1-based): chr17:18,151,485-18,154,932, 3,448 bases replaced. GRCh37 (hg19): chr17:18,054,799-18,058,246.
Identifiers: ClinVar variation 813827 (VCV000813827.1), ClinGen allele CA915949630.

ClinVar aggregate classification (germline): Pathogenic (1 of 4 stars; one submission).

Conditions:
Autosomal recessive nonsyndromic hearing loss 3. Also called: NEUROSENSORY NONSYNDROMIC RECESSIVE DEAFNESS 3. Identifiers: Orphanet 90636, MedGen C1838263, MONDO:0010860, OMIM 600316.

Submission:

Laboratory of Prof. Karen Avraham, Tel Aviv University
Classification: Pathogenic for Autosomal recessive nonsyndromic hearing loss 3. Last evaluated: 2018-05-07. Review status: criteria provided, single submitter. Criteria: ACMG Guidelines, 2015. Collection method: research. Allele origin: germline. Affected: yes.
Comment: Recessive, congenital, profound NSHL